The following is an entry in ClinVar:

ClinVar aggregate classification (germline): Uncertain significance. Review status: criteria provided, multiple submitters, no conflicts (2 of 4 stars). 3 submissions from 3 submitters: Uncertain significance (2). 1 of the submissions does not count toward it. Last evaluated 2024-06-18.

Conditions:
Pulmonary hypertension, primary, 2. Identifiers: Orphanet 422, MedGen C3888002, MONDO:0014134, OMIM 615342.
SMAD9-related disorder. Also called: SMAD9-related condition.

Allele frequency attached by ClinVar (database versions not stated): ESP Exome Variant Server 0.00023; gnomAD 0.00027 and 0.00028; TOPMed 0.00027; gnomAD exomes 0.00044 and 0.00064; ExAC 0.00045.
gnomAD v4.1: 961 of 1,613,952 alleles (0.06%); highest among the groups gnomAD compares: South Asian, 0.1%; 2 homozygotes.

Submissions (3):

GeneDx
Classification: Uncertain significance. Last evaluated: 2024-06-18. Review status: criteria provided, single submitter. Criteria: GeneDx Variant Classification Process June 2021. Collection method: clinical testing. Allele origin: germline. Affected: yes.
Comment: In silico analysis supports that this missense variant has a deleterious effect on protein structure/function; Has not been previously published as pathogenic or benign to our knowledge

Labcorp Genetics (formerly Invitae), Labcorp
Classification: Uncertain significance for Pulmonary hypertension, primary, 2. Last evaluated: 2021-08-28. Review status: criteria provided, single submitter. Criteria: Invitae Variant Classification Sherloc (09022015). Collection method: clinical testing. Allele origin: germline.
Comment: This sequence change replaces histidine with glutamine at codon 337 of the SMAD9 protein (p.His337Gln). The histidine residue is highly conserved and there is a small physicochemical difference between histidine and glutamine. This variant is present in population databases (rs149015682, ExAC 0.07%), and has an allele count higher than expected for a pathogenic variant (PMID: 28166811). This variant has not been reported in the literature in individuals affected with SMAD9-related conditions. ClinVar contains an entry for this variant (Variation ID: 311898). Algorithms developed to predict the effect of missense changes on protein structure and function are either unavailable or do not agree on the potential impact of this missense change (SIFT: "Tolerated"; PolyPhen-2: "Possibly Damaging"; Align-GVGD: "Class C0"). In summary, the available evidence is currently insufficient to determine the role of this variant in disease. Therefore, it has been classified as a Variant of Uncertain Significance.

PreventionGenetics, part of Exact Sciences
Classification: Likely benign for SMAD9-related condition. Last evaluated: 2022-02-12. Review status: no assertion criteria provided. Collection method: clinical testing. Allele origin: germline. Not counted in ClinVar's aggregate classification.
Comment: This variant is classified as likely benign based on ACMG/AMP sequence variant interpretation guidelines (Richards et al. 2015 PMID: 25741868, with internal and published modifications).

Literature cited by the submitters: PubMed 28166811 (cited by Labcorp Genetics (formerly Invitae), Labcorp).

NM_001127217.3(SMAD9):c.1011C>G (p.His337Gln)

Gene: SMAD9 (SMAD family member 9; minus strand). Cytogenetic location: 13q13.3.
Variant type: single nucleotide variant.
Coding change: c.1011C>G on transcript NM_001127217.3 (MANE Select); coding-DNA position 1011, C replaced by G.
Protein change: p.His337Gln; replaces histidine 337 with glutamine.
Molecular consequence: missense variant.
Genome position (GRCh38, 1-based): chr13:36,853,668, G>C on the plus strand (C>G on the coding strand, the complement: SMAD9 is on the minus strand). VCF-style: chr13-36853668-G-C. GRCh37 (hg19) VCF-style: chr13-37427805-G-C.
Other names: c.900C>G, p.His300Gln (NM_001378621.1, NM_005905.6); short protein forms H337Q, H300Q.
Identifiers: ClinVar variation 311898 (VCV000311898.9), dbSNP rs149015682, ClinGen allele CA6950400.